The following is an entry in ClinVar:

ClinVar aggregate classification (germline): Benign. Review status: criteria provided, multiple submitters, no conflicts (2 of 4 stars). 3 submissions from 3 submitters: Benign (2). 1 of the submissions does not count toward it. Last evaluated 2019-12-31.

Conditions:
MAPK8IP3-related disorder. Also called: MAPK8IP3-related condition.

Allele frequency attached by ClinVar (database versions not stated): gnomAD 0.00670 and 0.00681; TOPMed 0.00748; 1000 Genomes Project 0.00919; gnomAD exomes 0.00567; ESP Exome Variant Server 0.00744; 1000 Genomes Project 30x 0.00953; ExAC 0.00583.
gnomAD v4.1: 6,349 of 1,611,408 alleles (0.39%); highest among the groups gnomAD compares: African/African-American, 1.6%; 49 homozygotes.

Submissions (3):

Labcorp Genetics (formerly Invitae), Labcorp
Classification: Benign. Last evaluated: 2019-12-31. Review status: criteria provided, single submitter. Criteria: Invitae Variant Classification Sherloc (09022015). Collection method: clinical testing. Allele origin: germline.

Breakthrough Genomics
Classification: Benign. Review status: criteria provided, single submitter. Criteria: ACMG Guidelines, 2015. Collection method: not provided. Allele origin: germline. Inheritance: Autosomal dominant inheritance. Affected: yes.

PreventionGenetics, part of Exact Sciences
Classification: Benign for MAPK8IP3-related condition. Last evaluated: 2019-10-30. Review status: no assertion criteria provided. Collection method: clinical testing. Allele origin: germline. Not counted in ClinVar's aggregate classification.
Comment: This variant is classified as benign based on ACMG/AMP sequence variant interpretation guidelines (Richards et al. 2015 PMID: 25741868, with internal and published modifications).

NM_001318852.2(MAPK8IP3):c.3459C>T (p.Val1153=)

Gene: MAPK8IP3 (mitogen-activated protein kinase 8 interacting protein 3; plus strand). Cytogenetic location: 16p13.3.
Variant type: single nucleotide variant.
Coding change: c.3459C>T on transcript NM_001318852.2 (MANE Select); coding-DNA position 3459, C replaced by T.
Protein change: p.Val1153=; no amino-acid change (valine 1153 retained).
Molecular consequence: synonymous variant.
Genome position (GRCh38, 1-based): chr16:1,767,854, C>T. VCF-style: chr16-1767854-C-T. GRCh37 (hg19) VCF-style: chr16-1817855-C-T.
Other names: c.3438C>T, p.Val1146= (NM_001040439.2); c.3456C>T, p.Val1152= (NM_015133.5).
Identifiers: ClinVar variation 781724 (VCV000781724.7), dbSNP rs118038816, ClinGen allele CA7817687.